The following is an entry in ClinVar:

NM_001369.3(DNAH5):c.9768_9769delinsTGCGGAACT (p.Lys3256fs)

Gene: DNAH5 (dynein axonemal heavy chain 5; minus strand). Cytogenetic location: 5p15.2.
Variant type: Indel.
Coding change: c.9768_9769delinsTGCGGAACT on transcript NM_001369.3 (MANE Select); coding-DNA positions 9768 to 9769, GG replaced by TGCGGAACT.
Protein change: p.Lys3256fs; shifts the reading frame from lysine 3256.
Molecular consequence: frameshift variant.
Genome position (GRCh38, 1-based): chr5:13,769,088-13,769,089, CC replaced by AGTTCCGCA on the plus strand (GG replaced by TGCGGAACT on the coding strand, the reverse complement: DNAH5 is on the minus strand). VCF-style: chr5-13769088-CC-AGTTCCGCA. GRCh37 (hg19) VCF-style: chr5-13769197-CC-AGTTCCGCA.
Other names: short protein forms K3256fs.
Identifiers: ClinVar variation 1724720 (VCV001724720.2), dbSNP rs2546656503, ClinGen allele CA2580072197.

ClinVar aggregate classification (germline): Likely pathogenic (1 of 4 stars; one submission).

Conditions:
Primary ciliary dyskinesia 3. Identifiers: Orphanet 244, MedGen C1837618, MONDO:0012085, OMIM 608644.

Submission:

Myriad Genetics, Inc.
Classification: Likely pathogenic for Primary ciliary dyskinesia 3. Last evaluated: 2022-02-25. Review status: criteria provided, single submitter. Criteria: Myriad Women's Health Autosomal Recessive and X-Linked Classification Criteria (2021). Collection method: clinical testing. Allele origin: unknown.
Comment: NM_001369.2(DNAH5):c.9768_9769del2ins9(K3256Nfs*5) is expected to be pathogenic in the context of DNAH5-related primary ciliary dyskinesia. This variant is predicted to lead to an abnormal or absent protein product due to the creation of a premature termination codon in DNAH5, a gene where loss-of-function variants are known to be pathogenic. Please note: this variant was assessed in the context of healthy population screening.